The following is an entry in ClinVar:

NM_001673.5(ASNS):c.621_622insATATT (p.Arg208fs)

Genes: CZ1P-ASNS (CZ1P-ASNS readthrough; minus strand), ASNS (asparagine synthetase (glutamine-hydrolyzing); minus strand). Cytogenetic location: 7q21.3.
Variant type: Insertion.
Coding change: c.621_622insATATT on transcript NM_001673.5 (MANE Select); coding-DNA positions 621 to 622, ATATT inserted.
Protein change: p.Arg208fs; shifts the reading frame from arginine 208.
Molecular consequence: frameshift variant. On other transcripts: non-coding transcript variant (1).
Genome position: GRCh38 VCF-style: chr7-97859264-G-GAATAT. GRCh37 (hg19) VCF-style: chr7-97488576-G-GAATAT.
Other names: c.558_559insATATT, p.Arg187fs (NM_001178075.2); c.372_373insATATT, p.Arg125fs (NM_001178076.2, NM_001178077.1); c.621_622insATATT, p.Arg208fs (NM_001352496.2, NM_133436.3, NM_183356.4); short protein forms R125fs, R187fs, R208fs.
Identifiers: ClinVar variation 5010904 (VCV005010904.1).

ClinVar aggregate classification (germline): Pathogenic (1 of 4 stars; one submission).

Conditions:
Congenital microcephaly - severe encephalopathy - progressive cerebral atrophy syndrome. Also called: ASNS DEFICIENCY; Asparagine synthetase deficiency. Identifiers: Orphanet 391376, MedGen C3809971, MONDO:0014258, OMIM 615574.

Submission:

Myriad Genetics, Inc.
Classification: Pathogenic for Congenital microcephaly - severe encephalopathy - progressive cerebral atrophy syndrome. Last evaluated: 2024-05-14. Review status: criteria provided, single submitter. Criteria: Myriad Autosomal Dominant, Autosomal Recessive and X-Linked Classification Criteria (2023). Collection method: clinical testing. Allele origin: unknown.
Comment: NM_001673.4(ASNS):c.621_622ins5(R208Ifs*23) is expected to be pathogenic in the context of asparagine synthetase deficiency. This variant is predicted to lead to an abnormal or absent protein product due to the creation of a premature termination codon in ASNS, a gene where loss-of-function variants are known to be pathogenic. Please note: this variant was assessed in the context of healthy population screening.